The following is an entry in ClinVar:

ClinVar aggregate classification (germline): Benign (1 of 4 stars; one submission).

Conditions:
Congenital stationary night blindness 1D. Also called: Night blindness, congenital stationary (complete), 1D, autosomal recessive. Identifiers: Orphanet 215, MedGen C3151193, MONDO:0013450, OMIM 613830.

Allele frequency attached by ClinVar (database versions not stated): gnomAD exomes 0.00083; 1000 Genomes Project 0.00998; gnomAD 0.01010 and 0.01090; TOPMed 0.01133; 1000 Genomes Project 30x 0.01140.
gnomAD v4.1: 2,233 of 985,602 alleles (0.23%); highest among the groups gnomAD compares: African/African-American, 3.6%; 28 homozygotes.

Submission:

Illumina Laboratory Services, Illumina
Classification: Benign for Congenital stationary night blindness 1D. Last evaluated: 2018-01-13. Review status: criteria provided, single submitter. Criteria: ICSL Variant Classification Criteria 13 December 2019. Collection method: clinical testing. Allele origin: germline.
Comment: This variant was observed in the ICSL laboratory as part of a predisposition screen in an ostensibly healthy population. It had not been previously curated by ICSL or reported in the Human Gene Mutation Database (HGMD: prior to June 1st, 2018), and was therefore a candidate for classification through an automated scoring system. Utilizing variant allele frequency, disease prevalence and penetrance estimates, and inheritance mode, an automated score was calculated to assess if this variant is too frequent to cause the disease. Based on the score and internal cut-off values, a variant classified as benign is not then subjected to further curation. The score for this variant resulted in a classification of benign for this disease.

NM_004727.3(SLC24A1):c.*1199T>C

Gene: SLC24A1 (solute carrier family 24 member 1; plus strand). Cytogenetic location: 15q22.31.
Variant type: single nucleotide variant.
Coding change: c.*1199T>C on transcript NM_004727.3 (MANE Select); 1199 bases downstream of the stop codon, T replaced by C.
Molecular consequence: 3 prime UTR variant. On other transcripts: intron variant (1).
Genome position (GRCh38, 1-based): chr15:65,655,278, T>C. VCF-style: chr15-65655278-T-C. GRCh37 (hg19) VCF-style: chr15-65947616-T-C.
Other names: c.*1199T>C (NM_001254740.2, NM_001301031.1, NM_001301032.1); c.2996+2470T>C (NM_001301033.2).
Identifiers: ClinVar variation 316819 (VCV000316819.5), dbSNP rs114414983, ClinGen allele CA10646473.